The following is an entry in ClinVar:

NM_016252.4(BIRC6):c.1880T>C (p.Leu627Ser)

Gene: BIRC6 (baculoviral IAP repeat containing 6; plus strand). Cytogenetic location: 2p22.3.
Variant type: single nucleotide variant.
Coding change: c.1880T>C on transcript NM_016252.4 (MANE Select); coding-DNA position 1880, T replaced by C.
Protein change: p.Leu627Ser; replaces leucine 627 with serine.
Molecular consequence: missense variant.
Genome position (GRCh38, 1-based): chr2:32,415,171, T>C. VCF-style: chr2-32415171-T-C. GRCh37 (hg19) VCF-style: chr2-32640239-T-C.
Other names: c.1796T>C, p.Leu599Ser (NM_001378125.1); short protein forms L627S, L599S.
Identifiers: ClinVar variation 4988105 (VCV004988105.1).

ClinVar aggregate classification (germline): Uncertain significance (1 of 4 stars; one submission).

Conditions:
BIRC6-related disorder. Also called: BIRC6-related condition.

gnomAD v4.1: 3 of 1,614,030 alleles (0.00019%); highest among the groups gnomAD compares: South Asian, 0.0011%; no homozygotes.

Submission:

PreventionGenetics, part of Exact Sciences
Classification: Uncertain significance for BIRC6-related condition. Last evaluated: 2025-09-13. Review status: criteria provided, single submitter. Criteria: ACMG Guidelines, 2015. Collection method: clinical testing. Allele origin: germline.
Comment: The BIRC6 c.1880T>C variant is predicted to result in the amino acid substitution p.Leu627Ser. To our knowledge, this variant has not been reported in the literature. This variant is reported in 0.0033% of alleles in individuals of South Asian descent in gnomAD. At this time, the clinical significance of this variant is uncertain due to the absence of conclusive functional and genetic evidence.